The following is an entry in ClinVar:

ClinVar aggregate classification (germline): Pathogenic (1 of 4 stars; one submission).

Conditions:
Hereditary breast ovarian cancer syndrome. Also called: Hereditary breast and ovarian cancer; Hereditary breast and/or ovarian cancer syndrome; BRCA1- and BRCA2-Associated Hereditary Breast and Ovarian Cancer; Hereditary breast and ovarian cancer syndrome; Hereditary breast and ovarian cancer syndrome (HBOC); Breast and ovarian cancer. Identifiers: Orphanet 145, MedGen C0677776, MeSH D061325, MONDO:0003582. Disease mechanism: loss of function.

Submission:

Labcorp Genetics (formerly Invitae), Labcorp
Classification: Pathogenic for Hereditary breast ovarian cancer syndrome. Last evaluated: 2021-09-18. Review status: criteria provided, single submitter. Criteria: Invitae Variant Classification Sherloc (09022015). Collection method: clinical testing. Allele origin: germline.
Comment: For these reasons, this variant has been classified as Pathogenic. Algorithms developed to predict the effect of sequence changes on RNA splicing suggest that this variant may create or strengthen a splice site. This variant has not been reported in the literature in individuals affected with BRCA2-related conditions. This variant is not present in population databases (ExAC no frequency). This sequence change creates a premature translational stop signal (p.Arg2099Glnfs*12) in the BRCA2 gene. It is expected to result in an absent or disrupted protein product. Loss-of-function variants in BRCA2 are known to be pathogenic (PMID: 20104584).

Literature cited by the submitters: PubMed 20104584.

NM_000059.4(BRCA2):c.6294_6295insCAATATCCCAAAAAGGCTTTTCATATAATGTGGTAAATTCATCTGCTTTCTCTGGATTTAGTACAGCAAGTGGAAAGCAAGTTTCCATTTTAGAAAGTTCCTTACACAAAGTTAAGGGAGTGTTAGAGGAATTTGATTTAATCAGAACTGAGCATAGTCTTCACTATTCACCTACGTCT (p.Arg2099delinsGlnTyrProLysLysAlaPheHisIleMetTrpTer)

Gene: BRCA2 (BRCA2 DNA repair associated; plus strand). Cytogenetic location: 13q13.1.
Variant type: Insertion.
Coding change: c.6294_6295insCAATATCCCAAAAAGGCTTTTCATATAATGTGGTAAATTCATCTGCTTTCTCTGGATTTAGTACAGCAAGTGGAAAGCAAGTTTCCATTTTAGAAAGTTCCTTACACAAAGTTAAGGGAGTGTTAGAGGAATTTGATTTAATCAGAACTGAGCATAGTCTTCACTATTCACCTACGTCT on transcript NM_000059.4 (MANE Select); coding-DNA positions 6294 to 6295, CAATATCCCAAAAAGGCTTTTCATATAATGTGGTAAATTCATCTGCTTTCTCTGGATTTAGTACAGCAAGTGGAAAGCAAGTTTCCATTTTAGAAAGTTCCTTACACAAAGTTAAGGGAGTGTTAGAGGAATTTGATTTAATCAGAACTGAGCATAGTCTTCACTATTCACCTACGTCT inserted.
Protein change: p.Arg2099delinsGlnTyrProLysLysAlaPheHisIleMetTrpTer.
Molecular consequence: nonsense.
Genome position: GRCh38: chr13:32,340,649-32,340,650. GRCh37 (hg19): chr13:32,914,786-32,914,787.
Identifiers: ClinVar variation 1362532 (VCV001362532.6), dbSNP rs2137524457, ClinGen allele CA2573149409.